The following is an entry in ClinVar:

NM_001001957.2(OR2W3):c.32A>G (p.His11Arg)

Gene: OR2W3 (olfactory receptor family 2 subfamily W member 3; plus strand). Cytogenetic location: 1q44.
Variant type: single nucleotide variant.
Coding change: c.32A>G on transcript NM_001001957.2 (MANE Select); coding-DNA position 32, A replaced by G.
Protein change: p.His11Arg; replaces histidine 11 with arginine.
Molecular consequence: missense variant.
Genome position (GRCh38, 1-based): chr1:247,895,618, A>G. VCF-style: chr1-247895618-A-G. GRCh37 (hg19) VCF-style: chr1-248058920-A-G.
Other names: short protein forms H11R.
Identifiers: ClinVar variation 1398572 (VCV001398572.7), dbSNP rs745709689, ClinGen allele CA1498497.

ClinVar aggregate classification (germline): Uncertain significance (1 of 4 stars; one submission).

Allele frequency attached by ClinVar (database versions not stated): TOPMed below 0.00001; ExAC 0.00001; gnomAD 0.00001.

Submission:

Labcorp Genetics (formerly Invitae), Labcorp
Classification: Uncertain significance. Last evaluated: 2022-11-23. Review status: criteria provided, single submitter. Criteria: Invitae Variant Classification Sherloc (09022015). Collection method: clinical testing. Allele origin: germline.
Comment: This sequence change replaces histidine, which is basic and polar, with arginine, which is basic and polar, at codon 11 of the OR2W3 protein (p.His11Arg). This variant is not present in population databases (gnomAD no frequency). This variant has not been reported in the literature in individuals affected with OR2W3-related conditions. ClinVar contains an entry for this variant (Variation ID: 1398572). Algorithms developed to predict the effect of missense changes on protein structure and function (SIFT, PolyPhen-2, Align-GVGD) all suggest that this variant is likely to be tolerated. In summary, the available evidence is currently insufficient to determine the role of this variant in disease. Therefore, it has been classified as a Variant of Uncertain Significance.